The following is an entry in ClinVar:

ClinVar aggregate classification (germline): Conflicting classifications of pathogenicity. Review status: criteria provided, conflicting classifications (1 of 4 stars). 15 submissions from 15 submitters: Uncertain significance (10); Benign (1); Likely benign (2). 2 of the submissions do not count toward it. Last evaluated 2026-02-04.

Conditions:
STK11-related disorder. Also called: STK11-related condition.
Hereditary cancer-predisposing syndrome. Also called: Neoplastic Syndromes, Hereditary; Hereditary Cancer Syndrome; Hereditary neoplastic syndrome; Tumor predisposition. Identifiers: Orphanet 140162, MedGen C0027672, MeSH D009386, MONDO:0015356.
Peutz-Jeghers syndrome (PJS). Also called: Peutz-Jeghers polyposis; Periorificial lentiginosis syndrome; POLYPOSIS, HAMARTOMATOUS INTESTINAL; POLYPS-AND-SPOTS SYNDROME. Identifiers: Orphanet 2869, MedGen C0031269, MeSH D010580, MONDO:0008280, OMIM 175200.

Allele frequency attached by ClinVar (database versions not stated): ExAC 0.00003; gnomAD 0.00003; gnomAD exomes 0.00003 and 0.00004; TOPMed 0.00003.
gnomAD v4.1: 52 of 1,587,284 alleles (0.0033%); highest among the groups gnomAD compares: African/African-American, 0.004%; no homozygotes.

Submissions (15):

Labcorp Genetics (formerly Invitae), Labcorp
Classification: Benign for Peutz-Jeghers syndrome. Last evaluated: 2026-02-04. Review status: criteria provided, single submitter. Criteria: Invitae Variant Classification Sherloc (09022015). Collection method: clinical testing. Allele origin: germline.

Women's Health and Genetics/Laboratory Corporation of America, LabCorp
Classification: Likely benign. Last evaluated: 2025-10-27. Review status: criteria provided, single submitter. Criteria: LabCorp Variant Classification Summary - May 2015. Collection method: clinical testing. Allele origin: germline.
Comment: Variant summary: STK11 c.1226G>A (p.Arg409Gln) results in a conservative amino acid change in the encoded protein sequence. Algorithms developed to predict the effect of missense changes on protein structure and function all suggest that this variant is likely to be tolerated. The variant allele was found at a frequency of 3.3e-05 in 1587284 control chromosomes. The observed variant frequency exceeds the estimated maximal expected allele frequency for disease-causing variants in STK11. c.1226G>A has been observed in individual(s) affected with Cancer (Bhai_2021) without evidence for causality. These report(s) do not provide unequivocal conclusions about association of the variant with Peutz-Jeghers Syndrome. To our knowledge, no experimental evidence demonstrating an impact on protein function has been reported. The following publication have been ascertained in the context of this evaluation (PMID: 34326862). ClinVar contains an entry for this variant (Variation ID: 142292). Based on the evidence outlined above, the variant was classified as likely benign.

Center for Genomic Medicine, Rigshospitalet, Copenhagen University Hospital
Classification: Uncertain significance. Last evaluated: 2025-03-04. Review status: criteria provided, single submitter. Criteria: ACMG Guidelines, 2015. Collection method: clinical testing. Allele origin: germline.

All of Us Research Program, National Institutes of Health
Classification: Uncertain significance for Peutz-Jeghers syndrome. Last evaluated: 2024-08-13. Review status: criteria provided, single submitter. Criteria: ACMG Guidelines, 2015. Collection method: clinical testing. Allele origin: germline. Inheritance: Autosomal dominant inheritance. Observed: 4 variant alleles, 4 heterozygotes.
Comment: This missense variant replaces arginine with glutamine at codon 409 of the STK11 protein. Computational prediction suggests that this variant may not impact protein structure and function (internally defined REVEL score threshold <= 0.5, PMID: 27666373). To our knowledge, functional studies have not been reported for this variant. This variant has not been reported in individuals affected with hereditary cancer in the literature. This variant has been identified in 7/193536 chromosomes in the general population by the Genome Aggregation Database (gnomAD). The available evidence is insufficient to determine the role of this variant in disease conclusively. Therefore, this variant is classified as a Variant of Uncertain Significance.

This study involves interpretation of variants in research participants for the purpose of population health screening. Participant phenotype was not available at the time of variant classification. Additional details can be found in publication PMID: 35346344, PMCID: PMC8962531

Color Diagnostics, LLC DBA Color Health
Classification: Uncertain significance for Hereditary cancer-predisposing syndrome. Last evaluated: 2024-06-11. Review status: criteria provided, single submitter. Criteria: ACMG Guidelines, 2015. Collection method: clinical testing. Allele origin: germline.
Comment: This missense variant replaces arginine with glutamine at codon 409 of the STK11 protein. Computational prediction suggests that this variant may not impact protein structure and function. To our knowledge, functional studies have not been reported for this variant. This variant has not been reported in individuals affected with hereditary cancer in the literature. This variant has been identified in 7/193536 chromosomes in the general population by the Genome Aggregation Database (gnomAD). The available evidence is insufficient to determine the role of this variant in disease conclusively. Therefore, this variant is classified as a Variant of Uncertain Significance.

Quest Diagnostics Nichols Institute San Juan Capistrano
Classification: Uncertain significance. Last evaluated: 2024-03-22. Review status: criteria provided, single submitter. Criteria: Quest Diagnostics criteria. Collection method: clinical testing. Allele origin: unknown.
Comment: The STK11 c.1226G>A (p.Arg409Gln) variant has been reported in the published literature in an individual with triple negative breast cancer (PMID: 34326862 (2021)). This variant has also been identified in reportedly healthy individuals (PMID: 30287823 (2018), 36243179 (2022)). The frequency of this variant in the general population, 0.00006 (5/82982 chromosomes in European (Non-Finnish) subpopulation (Genome Aggregation Database)), is higher than would generally be expected for pathogenic variants in this gene. Analysis of this variant using bioinformatics tools for the prediction of the effect of amino acid changes on protein structure and function yielded predictions that this variant is benign. Based on the available information, we are unable to determine the clinical significance of this variant.

GeneDx
Classification: Uncertain significance. Last evaluated: 2023-05-31. Review status: criteria provided, single submitter. Criteria: GeneDx Variant Classification Process June 2021. Collection method: clinical testing. Allele origin: germline. Affected: yes.
Comment: Observed in breast cancer cases and also in unaffected controls (Momozawa et al., 2018); In silico analysis supports that this missense variant does not alter protein structure/function; This variant is associated with the following publications: (PMID: 28900777, 30287823)

ARUP Laboratories, Molecular Genetics and Genomics, ARUP Laboratories
Classification: Uncertain significance. Last evaluated: 2023-05-26. Review status: criteria provided, single submitter. Criteria: ARUP Molecular Germline Variant Investigation Process 2024. Collection method: clinical testing. Allele origin: germline.
Comment: The STK11 c.1226G>A; p.Arg409Gln variant (rs587782364) to our knowledge, is not reported in the medical literature in an STK11-related condition but has been reported in a healthy control (Momozawa 2018). This variant is also reported in ClinVar (Variation ID: 142292) and is found in the general population with an overall allele frequency of 0.0036% (7/193,536 alleles) in the Genome Aggregation Database. Computational analyses are uncertain whether this variant is neutral or deleterious (REVEL: 0.167). Due to limited information, the clinical significance of this variant is uncertain at this time. References: Momozawa Y et al. Germline pathogenic variants of 11 breast cancer genes in 7,051 Japanese patients and 11,241 controls. Nat Commun. 2018 Oct 4;9(1):4083. PMID: 30287823.

Myriad Genetics, Inc.
Classification: Uncertain significance for Peutz-Jeghers syndrome. Last evaluated: 2023-04-14. Review status: criteria provided, single submitter. Criteria: Myriad Autosomal Dominant, Autosomal Recessive and X-Linked Classification Criteria (2023). Collection method: clinical testing. Allele origin: unknown.
Comment: This variant is classified as a variant of uncertain significance as there is insufficient evidence to determine its impact on protein function and/or cancer risk.

St. Jude Molecular Pathology, St. Jude Children's Research Hospital
Classification: Uncertain significance for Peutz-Jeghers syndrome. Last evaluated: 2021-09-09. Review status: criteria provided, single submitter. Criteria: St. Jude Assertion Criteria 2020. Collection method: clinical testing. Allele origin: germline.
Comment: The STK11 c.1226G>A (p.Arg409Gln) missense change has a maximum subpopulation frequency of 0.0060% in gnomAD v2.1.1. This variant is reported 2x in the FLOSSIES database which contains genetic variants from women older than 70 years of age who have never had cancer. Five of seven in silico tools predict a benign effect of this variant on protein function (BP4), however these predictions have not been confirmed by functional studies. To our knowledge, this variant has not been reported in individuals with Peutz-Jeghers syndrome. In summary, this variant meets criteria to be classified as of uncertain significance based on the ACMG/AMP criteria: BP4.

Genome-Nilou Lab
Classification: Uncertain significance for Peutz-Jeghers syndrome. Last evaluated: 2021-07-15. Review status: criteria provided, single submitter. Criteria: ACMG Guidelines, 2015. Collection method: clinical testing. Allele origin: germline. Affected: no.

Ambry Genetics
Classification: Likely benign for Hereditary cancer-predisposing syndrome. Last evaluated: 2018-04-30. Review status: criteria provided, single submitter. Criteria: Ambry Variant Classification Scheme 2023. Collection method: clinical testing. Allele origin: germline.

Laboratory for Molecular Medicine, Mass General Brigham Personalized Medicine
Classification: Uncertain significance. Last evaluated: 2017-04-21. Review status: criteria provided, single submitter. Criteria: LMM Criteria. Collection method: clinical testing. Allele origin: germline. Observed: 1 variant allele.
Comment: The p.Arg409Gln variant in STK11 has not been previously reported in the literat ure in individuals with Peutz-Jeghers syndrome, but has been reported in ClinVar (Variation ID 142292). This variant has also been identified in 6/80576 of Euro pean chromosomes by the Genome Aggregation Database (gnomAD; dbSNP rs587782364). Computational prediction tools and conservati on analysis suggest that the p.Arg409Gln variant may not impact the protein, tho ugh this information is not predictive enough to rule out pathogenicity. In summ ary, the clinical significance of the p.Arg409Gln variant is uncertain.

PreventionGenetics, part of Exact Sciences
Classification: Uncertain significance for STK11-related condition. Last evaluated: 2024-06-10. Review status: no assertion criteria provided. Collection method: clinical testing. Allele origin: germline. Not counted in ClinVar's aggregate classification.
Comment: The STK11 c.1226G>A variant is predicted to result in the amino acid substitution p.Arg409Gln. This variant has not been reported in the literature in individuals affected with Peutz-Jeghers Syndrome but has been identified in several individuals with breast cancer and in unaffected controls (Momozawa et al. 2018. PubMed ID: 30287823; Bhai P et al. 2021. PubMed ID: 34326862). This variant has also been identified in one individual with biliary tract cancer (Okawa Y et al. 2022. PubMed ID: 36243179). This variant is reported in 0.0060% of alleles in individuals of European (Non-Finnish) descent in gnomAD. This variant has conflicting interpretations in ClinVar from uncertain significance to likely benign. At this time, the clinical significance of this variant is uncertain due to the absence of conclusive functional and genetic evidence.

Counsyl
Classification: Uncertain significance for Peutz-Jeghers syndrome. Last evaluated: 2016-03-01. Review status: no assertion criteria provided. Collection method: clinical testing. Allele origin: unknown. Not counted in ClinVar's aggregate classification.

Literature cited by the submitters: PubMed 34326862 (cited by Women's Health and Genetics/Laboratory Corporation of America, LabCorp and Quest Diagnostics Nichols Institute San Juan Capistrano); PubMed 30287823 (cited by Quest Diagnostics Nichols Institute San Juan Capistrano); PubMed 36243179 (cited by Quest Diagnostics Nichols Institute San Juan Capistrano).

NM_000455.5(STK11):c.1226G>A (p.Arg409Gln)

Gene: STK11 (serine/threonine kinase 11; plus strand). Cytogenetic location: 19p13.3.
Variant type: single nucleotide variant.
Coding change: c.1226G>A on transcript NM_000455.5 (MANE Select); coding-DNA position 1226, G replaced by A.
Protein change: p.Arg409Gln; replaces arginine 409 with glutamine.
Molecular consequence: missense variant.
Genome position (GRCh38, 1-based): chr19:1,226,571, G>A. VCF-style: chr19-1226571-G-A. GRCh37 (hg19) VCF-style: chr19-1226570-G-A.
Other names: short protein forms R409Q.
Identifiers: ClinVar variation 142292 (VCV000142292.49), dbSNP rs587782364, ClinGen allele CA022499.